The following is an entry in ClinVar:

NM_005359.6(SMAD4):c.908C>A (p.Pro303His)

Gene: SMAD4 (SMAD family member 4; plus strand). Cytogenetic location: 18q21.2.
Variant type: single nucleotide variant.
Coding change: c.908C>A on transcript NM_005359.6 (MANE Select); coding-DNA position 908, C replaced by A.
Protein change: p.Pro303His; replaces proline 303 with histidine.
Molecular consequence: missense variant.
Genome position (GRCh38, 1-based): chr18:51,059,869, C>A. VCF-style: chr18-51059869-C-A. GRCh37 (hg19) VCF-style: chr18-48586239-C-A.
Other names: short protein forms P303H.
Identifiers: ClinVar variation 1461164 (VCV001461164.14), dbSNP rs2144433151, ClinGen allele CA402463642.
Genomic context (GRCh38, chr18:51,059,869, plus strand): 5'-TTAGCATTAGACAACTTTTAGTAAATAAAAATGGAATTTTTGTTGTCTTTTCTTTAGGGC[C>A]TGTTCACAATGAGCTTGCATTCCAGCCTCCCATTTCCAATCATCCTGGTAAGTGTATTTC-3'
Protein context (NP_005350.1, residues 293-313): PMPPHPGHYW[Pro303His]VHNELAFQPP

ClinVar aggregate classification (germline): Uncertain significance. Review status: criteria provided, multiple submitters, no conflicts (2 of 4 stars). 5 submissions from 5 submitters: Uncertain significance (5). Last evaluated 2024-06-29.

Conditions:
Myhre syndrome (MYHRS). Also called: LARYNGOTRACHEAL STENOSIS, ARTHROPATHY, PROGNATHISM, AND SHORT STATURE; LAPS SYNDROME. Identifiers: Orphanet 2588, MedGen C0796081, MONDO:0007688, OMIM 139210.
Juvenile polyposis syndrome (JPS). Identifiers: Orphanet 2929, MedGen C0345893, MONDO:0017380, OMIM 174900.
Carcinoma of pancreas. Also called: Pancreatic cancer, somatic; Pancreatic carcinoma, somatic; PANCREATIC ACINAR CARCINOMA; PANCREATIC CARCINOMA; Exocrine pancreatic carcinoma. Identifiers: Orphanet 1333, Orphanet 217074, MedGen C0235974, MONDO:0005192. Disease mechanism: loss of function.
Juvenile polyposis/hereditary hemorrhagic telangiectasia syndrome (JPHT). Also called: Juvenile Polyposis Syndrome / Hereditary Hemorrhagic Telangiectasia (JPS/HHT); JP/HHT SYNDROME; JUVENILE POLYPOSIS WITH HEREDITARY HEMORRHAGIC TELANGIECTASIA; POLYPOSIS, GENERALIZED JUVENILE, WITH PULMONARY ARTERIOVENOUS MALFORMATION; TELANGIECTASIA, HEREDITARY HEMORRHAGIC, WITH JUVENILE POLYPOSIS COLI. Identifiers: Orphanet 2929, MedGen C1832942, MONDO:0008278, OMIM 175050.
Hereditary cancer-predisposing syndrome. Also called: Neoplastic Syndromes, Hereditary; Hereditary Cancer Syndrome; Hereditary neoplastic syndrome; Tumor predisposition. Identifiers: Orphanet 140162, MedGen C0027672, MeSH D009386, MONDO:0015356.
Familial thoracic aortic aneurysm and aortic dissection (TAAD). Also called: Thoracic aortic aneurysms and dissections. Identifiers: Orphanet 91387, MedGen C4707243, MONDO:0019625.

Submissions (5):

Ambry Genetics
Classification: Uncertain significance for Hereditary cancer-predisposing syndrome; Familial thoracic aortic aneurysm and aortic dissection. Last evaluated: 2024-06-29. Review status: criteria provided, single submitter. Criteria: Ambry Variant Classification Scheme 2023. Collection method: clinical testing. Allele origin: germline.
Comment: The p.P303H variant (also known as c.908C>A), located in coding exon 7 of the SMAD4 gene, results from a C to A substitution at nucleotide position 908. The proline at codon 303 is replaced by histidine, an amino acid with similar properties. This amino acid position is highly conserved in available vertebrate species. In addition, this alteration is predicted to be deleterious by in silico analysis. Since supporting evidence is limited at this time, the clinical significance of this alteration remains unclear.

GeneDx
Classification: Uncertain significance. Last evaluated: 2023-12-06. Review status: criteria provided, single submitter. Criteria: GeneDx Variant Classification Process June 2021. Collection method: clinical testing. Allele origin: germline. Affected: yes.
Comment: Not observed at significant frequency in large population cohorts (gnomAD); In silico analysis supports that this missense variant does not alter protein structure/function; Has not been previously published as pathogenic or benign to our knowledge; This variant is associated with the following publications: (PMID: 10636916)

All of Us Research Program, National Institutes of Health
Classification: Uncertain significance for Juvenile polyposis/hereditary hemorrhagic telangiectasia syndrome. Last evaluated: 2023-11-02. Review status: criteria provided, single submitter. Criteria: ACMG Guidelines, 2015. Collection method: clinical testing. Allele origin: germline. Inheritance: Autosomal dominant inheritance. Observed: 1 variant allele, 1 heterozygote.
Comment: This missense variant replaces proline with histidine at codon 303 of the SMAD4 protein. Computational prediction is inconclusive regarding the impact of this variant on protein structure and function (internally defined REVEL score threshold 0.5 < inconclusive < 0.7, PMID: 27666373). To our knowledge, functional studies have not been reported for this variant. This variant has not been reported in individuals affected with SMAD4-related disorders in the literature. This variant has not been identified in the general population by the Genome Aggregation Database (gnomAD). The available evidence is insufficient to determine the role of this variant in disease conclusively. Therefore, this variant is classified as a Variant of Uncertain Significance.

This study involves interpretation of variants in research participants for the purpose of population health screening. Participant phenotype was not available at the time of variant classification. Additional details can be found in publication PMID: 35346344, PMCID: PMC8962531

Labcorp Genetics (formerly Invitae), Labcorp
Classification: Uncertain significance for Juvenile polyposis syndrome. Last evaluated: 2023-05-20. Review status: criteria provided, single submitter. Criteria: Invitae Variant Classification Sherloc (09022015). Collection method: clinical testing. Allele origin: germline.
Comment: This sequence change replaces proline, which is neutral and non-polar, with histidine, which is basic and polar, at codon 303 of the SMAD4 protein (p.Pro303His). This variant is not present in population databases (gnomAD no frequency). This variant has not been reported in the literature in individuals affected with SMAD4-related conditions. ClinVar contains an entry for this variant (Variation ID: 1461164). Advanced modeling of protein sequence and biophysical properties (such as structural, functional, and spatial information, amino acid conservation, physicochemical variation, residue mobility, and thermodynamic stability) has been performed at Invitae for this missense variant, however the output from this modeling did not meet the statistical confidence thresholds required to predict the impact of this variant on SMAD4 protein function. In summary, the available evidence is currently insufficient to determine the role of this variant in disease. Therefore, it has been classified as a Variant of Uncertain Significance.

Fulgent Genetics
Classification: Uncertain significance for Myhre syndrome; Juvenile polyposis syndrome; Juvenile polyposis/hereditary hemorrhagic telangiectasia syndrome; Familial pancreatic carcinoma. Last evaluated: 2021-10-06. Review status: criteria provided, single submitter. Criteria: ACMG Guidelines, 2015. Collection method: clinical testing. Allele origin: unknown.